The following is an entry in ClinVar:

ClinVar aggregate classification (germline): Conflicting classifications of pathogenicity. Review status: criteria provided, conflicting classifications (1 of 4 stars). 7 submissions from 6 submitters: Uncertain significance (3); Likely benign (4). Last evaluated 2026-05-14.

Conditions:
Cardiovascular phenotype. Identifiers: MedGen CN230736.
Hereditary cancer-predisposing syndrome. Also called: Hereditary Cancer Syndrome; Neoplastic Syndromes, Hereditary; Tumor predisposition; Hereditary neoplastic syndrome. Identifiers: Orphanet 140162, MedGen C0027672, MeSH D009386, MONDO:0015356.
Neurofibromatosis, type 1 (NF1). Also called: Peripheral type neurofibromatosis; Neurofibromatosis, type I; VON RECKLINGHAUSEN DISEASE; NEUROFIBROMATOSIS, TYPE I, SOMATIC. Identifiers: Orphanet 636, MedGen C0027831, MONDO:0018975, OMIM 162200. Disease mechanism: loss of function.

Allele frequency attached by ClinVar (database versions not stated): ExAC 0.00002; gnomAD 0.00001; TOPMed 0.00001; gnomAD exomes 0.00001.
gnomAD v4.1: 8 of 1,613,814 alleles (0.0005%); highest among the groups gnomAD compares: Admixed American, 0.0017%; no homozygotes.

Submissions (7):

Myriad Genetics, Inc.
Classification: Likely benign for Neurofibromatosis, type 1. Last evaluated: 2026-05-14. Review status: criteria provided, single submitter. Criteria: Myriad Autosomal Dominant, Autosomal Recessive and X-Linked Classification Criteria (2023). Collection method: clinical testing. Allele origin: unknown.
Comment: This variant is considered likely benign. This variant is intronic and is not expected to impact mRNA splicing.

Labcorp Genetics (formerly Invitae), Labcorp
Classification: Likely benign for Neurofibromatosis, type 1. Last evaluated: 2026-01-27. Review status: criteria provided, single submitter. Criteria: Invitae Variant Classification Sherloc (09022015). Collection method: clinical testing. Allele origin: germline.

Women's Health and Genetics/Laboratory Corporation of America, LabCorp
Classification: Likely benign. Last evaluated: 2025-04-28. Review status: criteria provided, single submitter. Criteria: LabCorp Variant Classification Summary - May 2015. Collection method: clinical testing. Allele origin: germline.
Comment: Variant summary: NF1 c.8315-4C>T alters a nucleotide located at a position not widely known to affect splicing. Consensus agreement among computation tools predict no significant impact on normal splicing. However, these predictions have yet to be confirmed by functional studies. The variant allele was found at a frequency of 8e-06 in 251254 control chromosomes. The available data on variant occurrences in the general population are insufficient to allow any conclusion about variant significance. To our knowledge, no occurrence of c.8315-4C>T in individuals affected with Neurofibromatosis Type 1 and no experimental evidence demonstrating its impact on protein function have been reported. ClinVar contains an entry for this variant (Variation ID: 142759). Based on the evidence outlined above, the variant was classified as likely benign.

Quest Diagnostics Nichols Institute San Juan Capistrano
Classification: Uncertain significance. Last evaluated: 2025-01-03. Review status: criteria provided, single submitter. Criteria: Quest Diagnostics criteria. Collection method: clinical testing. Allele origin: unknown.

Institute for Clinical Genetics, University Hospital TU Dresden, University Hospital TU Dresden
Classification: Uncertain significance. Last evaluated: 2021-11-03. Review status: criteria provided, single submitter. Criteria: ACMG Guidelines, 2015. Collection method: clinical testing. Allele origin: germline.

Ambry Genetics
Classification: Likely benign for Cardiovascular phenotype; Hereditary cancer-predisposing syndrome. Last evaluated: 2020-03-06. Review status: criteria provided, single submitter. Criteria: Ambry Variant Classification Scheme 2023. Collection method: clinical testing. Allele origin: germline.

Ambry Genetics
Classification: Uncertain significance for Hereditary cancer-predisposing syndrome. Last evaluated: 2015-12-09. Review status: criteria provided, single submitter. Criteria: Ambry Autosomal Dominant and X-Linked criteria (10/2015). Collection method: clinical testing. Allele origin: germline. Observed: 1 variant allele.
Comment: The c.8378-4C>T intronic variant results from a C to T substitution 4 nucleotides upstream from coding exon 58 in the NF1 gene. This variant was not reported in population based cohorts in the following databases: Database of Single Nucleotide Polymorphisms (dbSNP), NHLBI Exome Sequencing Project (ESP), and 1000 Genomes Project. In the ESP, this variant was not observed in 6503 samples (13006 alleles) with coverage at this position. <span style="font-family:arial,sans-serif; font-size:10pt">To date, this alteration has been detected with an allele frequency of approximately 0.002% (greater than 110000 alleles tested) in our clinical cohort.This nucleotide position is not well conserved in available vertebrate species. Using the BDGP and ESEfinder splice site prediction tools, this alteration is not predicted to have any significant effect on this splice acceptorsite; however, direct evidence is unavailable.Since supporting evidence is limited at this time, the clinical significance of c.8378-4C>T remains unclear.

Literature cited by the submitters: PubMed 10678181 (cited by Women's Health and Genetics/Laboratory Corporation of America, LabCorp); PubMed 23460398 (cited by Women's Health and Genetics/Laboratory Corporation of America, LabCorp); PubMed 29872168 (cited by Women's Health and Genetics/Laboratory Corporation of America, LabCorp); PubMed 27069254 (cited by Women's Health and Genetics/Laboratory Corporation of America, LabCorp).

NM_001042492.3(NF1):c.8378-4C>T

Gene: NF1 (neurofibromin 1; plus strand). Cytogenetic location: 17q11.2.
Variant type: single nucleotide variant.
Coding change: c.8378-4C>T on transcript NM_001042492.3 (MANE Select); 4 bases into the intron before coding-DNA position 8378, C replaced by T.
Molecular consequence: intron variant.
Genome position (GRCh38, 1-based): chr17:31,374,009, C>T. VCF-style: chr17-31374009-C-T. GRCh37 (hg19) VCF-style: chr17-29701027-C-T.
Other names: c.8315-4C>T (NM_000267.4).
Identifiers: ClinVar variation 142759 (VCV000142759.23), dbSNP rs587782700, ClinGen allele CA169340.